The following is an entry in ClinVar:

NM_000363.5(TNNI3):c.127G>T (p.Ala43Ser)

Gene: TNNI3 (troponin I3, cardiac type; minus strand). Cytogenetic location: 19q13.42.
Variant type: single nucleotide variant.
Coding change: c.127G>T on transcript NM_000363.5 (MANE Select); coding-DNA position 127, G replaced by T.
Protein change: p.Ala43Ser; replaces alanine 43 with serine.
Molecular consequence: missense variant.
Genome position (GRCh38, 1-based): chr19:55,156,626, C>A on the plus strand (G>T on the coding strand, the complement: TNNI3 is on the minus strand). VCF-style: chr19-55156626-C-A. GRCh37 (hg19) VCF-style: chr19-55667994-C-A.
Other names: short protein forms A43S.
Identifiers: ClinVar variation 179652 (VCV000179652.7), dbSNP rs727505023, ClinGen allele CA021272.

ClinVar aggregate classification (germline): Uncertain significance. Review status: criteria provided, multiple submitters, no conflicts (2 of 4 stars). 3 submissions from 3 submitters: Uncertain significance (3). Last evaluated 2023-12-29.

Conditions:
Cardiovascular phenotype. Identifiers: MedGen CN230736.

Submissions (3):

Ambry Genetics
Classification: Uncertain significance for Cardiovascular phenotype. Last evaluated: 2023-12-29. Review status: criteria provided, single submitter. Criteria: Ambry Variant Classification Scheme 2023. Collection method: clinical testing. Allele origin: germline.
Comment: The p.A43S variant (also known as c.127G>T), located in coding exon 4 of the TNNI3 gene, results from a G to T substitution at nucleotide position 127. The alanine at codon 43 is replaced by serine, an amino acid with similar properties. This amino acid position is highly conserved in available vertebrate species. In addition, the in silico prediction for this alteration is inconclusive. Since supporting evidence is limited at this time, the clinical significance of this alteration remains unclear.

Blueprint Genetics
Classification: Uncertain significance. Last evaluated: 2023-06-08. Review status: criteria provided, single submitter. Criteria: ACMG Guidelines, 2015. Collection method: clinical testing. Allele origin: germline.

Laboratory for Molecular Medicine, Mass General Brigham Personalized Medicine
Classification: Uncertain significance. Last evaluated: 2014-04-04. Review status: criteria provided, single submitter. Criteria: LMM Criteria. Collection method: clinical testing. Allele origin: germline. Observed: 1 variant allele.
Comment: The Ala43Ser variant in TNNI3 has not been previously reported in individuals wi th cardiomyopathy and data from large population studies is insufficient to asse ss its frequency. Alanine (Ala) at position 43 is highly conserved in evolution; however, this variant was predicted to be benign using a computational tool cli nically validated by our laboratory. This tool's benign prediction is estimated to be correct 89% of the time (Jordan 2011). Additional information is needed to fully assess the clinical significance of the Ala43Ser variant.